The following is an entry in ClinVar:

ClinVar aggregate classification (germline): Uncertain significance (1 of 4 stars; one submission).

Submission:

Labcorp Genetics (formerly Invitae), Labcorp
Classification: Uncertain significance. Last evaluated: 2025-03-20. Review status: criteria provided, single submitter. Criteria: Invitae Variant Classification Sherloc (09022015). Collection method: clinical testing. Allele origin: germline.
Comment: This sequence change replaces lysine, which is basic and polar, with glutamic acid, which is acidic and polar, at codon 163 of the FAM111A protein (p.Lys163Glu). This variant is not present in population databases (gnomAD no frequency). This variant has not been reported in the literature in individuals affected with FAM111A-related conditions. Invitae Evidence Modeling of protein sequence and biophysical properties (such as structural, functional, and spatial information, amino acid conservation, physicochemical variation, residue mobility, and thermodynamic stability) indicates that this missense variant is not expected to disrupt FAM111A protein function with a negative predictive value of 80%. In summary, the available evidence is currently insufficient to determine the role of this variant in disease. Therefore, it has been classified as a Variant of Uncertain Significance.

NM_001312909.2(FAM111A):c.487A>G (p.Lys163Glu)

Gene: FAM111A (FAM111 trypsin like peptidase A; plus strand). Cytogenetic location: 11q12.1.
Variant type: single nucleotide variant.
Coding change: c.487A>G on transcript NM_001312909.2 (MANE Select); coding-DNA position 487, A replaced by G.
Protein change: p.Lys163Glu; replaces lysine 163 with glutamic acid.
Molecular consequence: missense variant.
Genome position (GRCh38, 1-based): chr11:59,152,155, A>G. VCF-style: chr11-59152155-A-G. GRCh37 (hg19) VCF-style: chr11-58919628-A-G.
Other names: c.487A>G, p.Lys163Glu (NM_001142519.3, NM_001142520.3, NM_001142521.3 and 29 more transcripts); short protein forms K163E.
Identifiers: ClinVar variation 4742966 (VCV004742966.1).